The following is an entry in ClinVar:

ClinVar aggregate classification (germline): Likely benign. Review status: criteria provided, multiple submitters, no conflicts (2 of 4 stars). 2 submissions from 2 submitters: Likely benign (2). Last evaluated 2025-01-18.

Conditions:
Marfan syndrome (MFS). Also called: MARFAN SYNDROME, TYPE I; Marfan syndrome type 1; Marfan's syndrome; FBN1-Related Marfan Syndrome; Marfan syndrome, classic. Identifiers: Orphanet 284963, Orphanet 558, MedGen C0024796, MONDO:0007947, OMIM 154700.
Familial thoracic aortic aneurysm and aortic dissection (TAAD). Also called: Thoracic aortic aneurysms and dissections. Identifiers: Orphanet 91387, MedGen C4707243, MONDO:0019625.

Submissions (2):

Labcorp Genetics (formerly Invitae), Labcorp
Classification: Likely benign for Marfan syndrome; Familial thoracic aortic aneurysm and aortic dissection. Last evaluated: 2025-01-18. Review status: criteria provided, single submitter. Criteria: Invitae Variant Classification Sherloc (09022015). Collection method: clinical testing. Allele origin: germline.

All of Us Research Program, National Institutes of Health
Classification: Likely benign for Marfan syndrome. Last evaluated: 2024-04-16. Review status: criteria provided, single submitter. Criteria: ACMG Guidelines, 2015. Collection method: clinical testing. Allele origin: germline. Inheritance: Autosomal dominant inheritance. Observed: 1 variant allele, 1 heterozygote.
Comment: This study involves interpretation of variants in research participants for the purpose of population health screening. Participant phenotype was not available at the time of variant classification. Additional details can be found in publication PMID: 35346344, PMCID: PMC8962531

NM_000138.5(FBN1):c.1585C>A (p.Arg529=)

Gene: FBN1 (fibrillin 1; minus strand). Cytogenetic location: 15q21.1.
Variant type: single nucleotide variant.
Coding change: c.1585C>A on transcript NM_000138.5 (MANE Select); coding-DNA position 1585, C replaced by A.
Protein change: p.Arg529=; no amino-acid change (arginine 529 retained).
Molecular consequence: synonymous variant.
Genome position (GRCh38, 1-based): chr15:48,513,552, G>T on the plus strand (C>A on the coding strand, the complement: FBN1 is on the minus strand). VCF-style: chr15-48513552-G-T. GRCh37 (hg19) VCF-style: chr15-48805749-G-T.
Other names: c.1585C>A, p.Arg529= (NM_001406716.1).
Identifiers: ClinVar variation 3386848 (VCV003386848.3).